The following is an entry in ClinVar:

NM_000632.4(ITGAM):c.2290-17T>G

Gene: ITGAM (integrin subunit alpha M; plus strand). Cytogenetic location: 16p11.2.
Variant type: single nucleotide variant.
Coding change: c.2290-17T>G on transcript NM_000632.4 (MANE Select); 17 bases into the intron before coding-DNA position 2290, T replaced by G.
Molecular consequence: intron variant.
Genome position (GRCh38, 1-based): chr16:31,324,941, T>G. VCF-style: chr16-31324941-T-G. GRCh37 (hg19) VCF-style: chr16-31336262-T-G.
Other names: c.2293-17T>G (NM_001145808.2).
Identifiers: ClinVar variation 4694819 (VCV004694819.1).
Genomic context (GRCh38, chr16:31,324,941, plus strand): 5'-ATTTGATTTTATTGTTTAATTTCACAATACTTGGTTATTTTCTTTCCTTTCATTTGATCA[T>G]ATTTATTTTTTAAAAGTTTCCCTTTGAGAAGAATTGTGGCAATGACAACATCTGCCAGGA-3'

ClinVar aggregate classification (germline): Uncertain significance (1 of 4 stars; one submission).

gnomAD v4.1: 5 of 1,598,570 alleles (0.00031%); highest among the groups gnomAD compares: African/African-American, 0.0067%; no homozygotes.

Submission:

Labcorp Genetics (formerly Invitae), Labcorp
Classification: Uncertain significance. Last evaluated: 2026-01-07. Review status: criteria provided, single submitter. Criteria: Invitae Variant Classification Sherloc (09022015). Collection method: clinical testing. Allele origin: germline.
Comment: This sequence change falls in intron 18 of the ITGAM gene. It does not directly change the encoded amino acid sequence of the ITGAM protein. This variant is present in population databases (rs777186410, gnomAD 0.02%). This variant has not been reported in the literature in individuals affected with ITGAM-related conditions. Algorithms developed to predict the effect of sequence changes on RNA splicing suggest that this variant may disrupt the consensus splice site. In summary, the available evidence is currently insufficient to determine the role of this variant in disease. Therefore, it has been classified as a Variant of Uncertain Significance.